The following is an entry in ClinVar:

ClinVar aggregate classification (germline): Uncertain significance. Review status: criteria provided, multiple submitters, no conflicts (2 of 4 stars). 3 submissions from 3 submitters: Uncertain significance (3). Last evaluated 2025-08-24.

Conditions:
Inborn genetic diseases. Identifiers: MedGen C0950123, MeSH D030342.

Allele frequency attached by ClinVar (database versions not stated): TOPMed below 0.00001; gnomAD 0.00001; gnomAD exomes 0.00002; ExAC 0.00007.

Submissions (3):

Ambry Genetics
Classification: Uncertain significance for Inborn genetic diseases. Last evaluated: 2025-08-24. Review status: criteria provided, single submitter. Criteria: Ambry Variant Classification Scheme 2023. Collection method: clinical testing. Allele origin: germline.

Labcorp Genetics (formerly Invitae), Labcorp
Classification: Uncertain significance. Last evaluated: 2021-12-24. Review status: criteria provided, single submitter. Criteria: Invitae Variant Classification Sherloc (09022015). Collection method: clinical testing. Allele origin: germline.
Comment: This sequence change replaces arginine, which is basic and polar, with glutamine, which is neutral and polar, at codon 125 of the MRPS22 protein (p.Arg125Gln). This variant is present in population databases (rs563691172, gnomAD 0.04%). This variant has not been reported in the literature in individuals affected with MRPS22-related conditions. Algorithms developed to predict the effect of missense changes on protein structure and function output the following: SIFT: "Tolerated"; PolyPhen-2: "Benign"; Align-GVGD: "Class C0". The glutamine amino acid residue is found in multiple mammalian species, which suggests that this missense change does not adversely affect protein function. In summary, the available evidence is currently insufficient to determine the role of this variant in disease. Therefore, it has been classified as a Variant of Uncertain Significance.

Revvity Omics, Revvity
Classification: Uncertain significance. Last evaluated: 2019-05-16. Review status: criteria provided, single submitter. Criteria: ACMG Guidelines, 2015. Collection method: clinical testing. Allele origin: germline.

NM_020191.4(MRPS22):c.374G>A (p.Arg125Gln)

Gene: MRPS22 (mitochondrial ribosomal protein S22; plus strand). Cytogenetic location: 3q23.
Variant type: single nucleotide variant.
Coding change: c.374G>A on transcript NM_020191.4 (MANE Select); coding-DNA position 374, G replaced by A.
Protein change: p.Arg125Gln; replaces arginine 125 with glutamine.
Molecular consequence: missense variant.
Genome position (GRCh38, 1-based): chr3:139,348,194, G>A. VCF-style: chr3-139348194-G-A. GRCh37 (hg19) VCF-style: chr3-139067036-G-A.
Other names: c.251G>A, p.Arg84Gln (NM_001363857.1); c.371G>A, p.Arg124Gln (NM_001363893.1); c.374G>A (NM_020191.2); short protein forms R125Q, R84Q, R124Q.
Identifiers: ClinVar variation 2156576 (VCV002156576.9), dbSNP rs563691172, ClinGen allele CA2640706.